The following is an entry in ClinVar:

ClinVar aggregate classification (germline): Uncertain significance. Review status: criteria provided, multiple submitters, no conflicts (2 of 4 stars). 2 submissions from 2 submitters: Uncertain significance (2). Last evaluated 2025-02-28.

Conditions:
ITPR1-related disorder. Also called: ITPR1-related condition.

Allele frequency attached by ClinVar (database versions not stated): gnomAD exomes below 0.00001; gnomAD 0.00001; TOPMed 0.00002.
gnomAD v4.1: 2 of 1,602,868 alleles (0.00012%); highest among the groups gnomAD compares: Admixed American, 0.0017%; no homozygotes.

Submissions (2):

PreventionGenetics, part of Exact Sciences
Classification: Uncertain significance for ITPR1-related condition. Last evaluated: 2025-02-28. Review status: criteria provided, single submitter. Criteria: ACMG Guidelines, 2015. Collection method: clinical testing. Allele origin: germline.
Comment: The ITPR1 c.2407G>A variant is predicted to result in the amino acid substitution p.Asp803Asn. To our knowledge, this variant has not been reported in the literature or in a large population database (gnomAD), indicating this variant is rare. At this time, the clinical significance of this variant is uncertain due to the absence of conclusive functional and genetic evidence.

Labcorp Genetics (formerly Invitae), Labcorp
Classification: Uncertain significance. Last evaluated: 2023-06-09. Review status: criteria provided, single submitter. Criteria: Invitae Variant Classification Sherloc (09022015). Collection method: clinical testing. Allele origin: germline.
Comment: In summary, the available evidence is currently insufficient to determine the role of this variant in disease. Therefore, it has been classified as a Variant of Uncertain Significance. Advanced modeling of protein sequence and biophysical properties (such as structural, functional, and spatial information, amino acid conservation, physicochemical variation, residue mobility, and thermodynamic stability) performed at Invitae indicates that this missense variant is not expected to disrupt ITPR1 protein function. This variant has not been reported in the literature in individuals affected with ITPR1-related conditions. This variant is not present in population databases (gnomAD no frequency). This sequence change replaces aspartic acid, which is acidic and polar, with asparagine, which is neutral and polar, at codon 803 of the ITPR1 protein (p.Asp803Asn).

NM_001378452.1(ITPR1):c.2452G>A (p.Asp818Asn)

Gene: ITPR1 (inositol 1,4,5-trisphosphate receptor type 1; plus strand). Cytogenetic location: 3p26.1.
Variant type: single nucleotide variant.
Coding change: c.2452G>A on transcript NM_001378452.1 (MANE Select); coding-DNA position 2452, G replaced by A.
Protein change: p.Asp818Asn; replaces aspartic acid 818 with asparagine.
Molecular consequence: missense variant.
Genome position (GRCh38, 1-based): chr3:4,673,383, G>A. VCF-style: chr3-4673383-G-A. GRCh37 (hg19) VCF-style: chr3-4715067-G-A.
Other names: c.2407G>A (NM_002222.5); c.2452G>A, p.Asp818Asn (NM_001099952.4); c.2407G>A, p.Asp803Asn (NM_001168272.2, NM_002222.7); short protein forms D818N, D803N.
Identifiers: ClinVar variation 2875640 (VCV002875640.4), dbSNP rs1192292449, ClinGen allele CA351647309.